The following is an entry in ClinVar:

NM_001853.4(COL9A3):c.1626G>A (p.Ala542=)

Gene: COL9A3 (collagen type IX alpha 3 chain; plus strand). Cytogenetic location: 20q13.33.
Variant type: single nucleotide variant.
Coding change: c.1626G>A on transcript NM_001853.4 (MANE Select); coding-DNA position 1626, G replaced by A.
Protein change: p.Ala542=; no amino-acid change (alanine 542 retained).
Molecular consequence: synonymous variant.
Genome position (GRCh38, 1-based): chr20:62,837,105, G>A. VCF-style: chr20-62837105-G-A. GRCh37 (hg19) VCF-style: chr20-61468457-G-A.
Other names: c.1626G>A (NM_001853.3).
Identifiers: ClinVar variation 1645143 (VCV001645143.11), dbSNP rs756770871, ClinGen allele CA9950125.
Genomic context (GRCh38, chr20:62,837,105, plus strand): 5'-TCTCTCGAGTAAACGCCTGCACCCTTGTTTTCCCAAAGAACAAATTGCACAGTTAGCCGC[G>A]CACCTAAGGAAGCCTTTGGCACCCGGGTCCATTGGTCGGCCCGGTCCAGCTGGCCCCCCT-3'
Protein context (NP_001844.3, residues 532-552): MISEQIAQLA[Ala542=]HLRKPLAPGS

ClinVar aggregate classification (germline): Likely benign. Review status: criteria provided, multiple submitters, no conflicts (2 of 4 stars). 3 submissions from 3 submitters: Likely benign (2). 1 of the submissions does not count toward it. Last evaluated 2025-06-19.

Conditions:
COL9A3-related disorder. Also called: COL9A3-related condition.

Allele frequency attached by ClinVar (database versions not stated): gnomAD 0.00002 and 0.00003; TOPMed 0.00003; gnomAD exomes 0.00006; ExAC 0.00007.
gnomAD v4.1: 47 of 1,613,334 alleles (0.0029%); highest among the groups gnomAD compares: South Asian, 0.029%; no homozygotes.

Submissions (3):

Labcorp Genetics (formerly Invitae), Labcorp
Classification: Likely benign. Last evaluated: 2025-06-19. Review status: criteria provided, single submitter. Criteria: Invitae Variant Classification Sherloc (09022015). Collection method: clinical testing. Allele origin: germline.

Blueprint Genetics
Classification: Likely benign. Last evaluated: 2024-10-16. Review status: criteria provided, single submitter. Criteria: ACMG Guidelines, 2015. Collection method: clinical testing. Allele origin: germline.

PreventionGenetics, part of Exact Sciences
Classification: Likely benign for COL9A3-related condition. Last evaluated: 2023-08-24. Review status: no assertion criteria provided. Collection method: clinical testing. Allele origin: germline. Not counted in ClinVar's aggregate classification.
Comment: This variant is classified as likely benign based on ACMG/AMP sequence variant interpretation guidelines (Richards et al. 2015 PMID: 25741868, with internal and published modifications).